The following is an entry in ClinVar:

ClinVar aggregate classification (germline): Pathogenic. Review status: no assertion criteria provided (0 of 4 stars). 2 submissions from 2 submitters: Pathogenic (2). Last evaluated 2017-09-26.

Conditions:
Pituitary dependent hypercortisolism. Also called: Pituitary ACTH Hypersecretion; Cushing disease due to pituitary adenoma; CUSHING DISEASE, PITUITARY; Pituitary adenoma, acth-secreting, somatic; PITUITARY ADENOMA 4, ACTH-SECRETING. Identifiers: Orphanet 96253, MedGen C0221406, MONDO:0009050, OMIM 219090.

Submissions (2):

OMIM
Classification: Pathogenic for PITUITARY ADENOMA 4, ACTH-SECRETING, SOMATIC. Last evaluated: 2017-09-26. Review status: no assertion criteria provided. Collection method: literature only. Allele origin: somatic.

Institute of Human Genetics Munich, TUM University Hospital
Classification: Pathogenic for Pituitary dependent hypercortisolism. Last evaluated: 2014-11-18. Review status: no assertion criteria provided. Collection method: research. Allele origin: somatic. Affected: yes. Observed: 1 variant allele.
Comment: gain of function

Literature cited by the submitters: PubMed 25675982 (cited by OMIM); PubMed 25942478 (cited by OMIM).

NM_005154.5(USP8):c.2159C>G (p.Pro720Arg)

Gene: USP8 (ubiquitin specific peptidase 8; plus strand). Cytogenetic location: 15q21.2.
Variant type: single nucleotide variant.
Coding change: c.2159C>G on transcript NM_005154.5 (MANE Select); coding-DNA position 2159, C replaced by G.
Protein change: p.Pro720Arg; replaces proline 720 with arginine.
Molecular consequence: missense variant.
Genome position (GRCh38, 1-based): chr15:50,490,450, C>G. VCF-style: chr15-50490450-C-G. GRCh37 (hg19) VCF-style: chr15-50782647-C-G.
Other names: c.2159C>G, p.Pro720Arg (NM_001128610.3); c.1841C>G, p.Pro614Arg (NM_001283049.2); short protein forms P720R, P614R.
Identifiers: ClinVar variation 161995 (VCV000161995.2), dbSNP rs672601311, ClinGen allele CA174941.
Genomic context (GRCh38, chr15:50,490,450, plus strand): 5'-CACAGATTCCTGCTGAGCGGGATAGGGAACCTTCCAAACTGAAGCGCTCCTACTCCTCCC[C>G]AGATATAACCCAGGCTATTCAAGAGGAAGAGAAGAGGAAGCCAACAGTAACTCCAACAGT-3'
Protein context (NP_005145.3, residues 710-730): PSKLKRSYSS[Pro720Arg]DITQAIQEEE